The following is an entry in ClinVar:

ClinVar aggregate classification (germline): Conflicting classifications of pathogenicity. Review status: criteria provided, conflicting classifications (1 of 4 stars). 4 submissions from 4 submitters: Uncertain significance (3); Likely benign (1). Last evaluated 2025-07-02.

Allele frequency attached by ClinVar (database versions not stated): gnomAD 0.00004; TOPMed 0.00004.

Submissions (4):

Ambry Genetics
Classification: Likely benign. Last evaluated: 2025-07-02. Review status: criteria provided, single submitter. Criteria: Ambry Variant Classification Scheme 2023. Collection method: clinical testing. Allele origin: germline.

Labcorp Genetics (formerly Invitae), Labcorp
Classification: Uncertain significance. Last evaluated: 2025-06-16. Review status: criteria provided, single submitter. Criteria: Invitae Variant Classification Sherloc (09022015). Collection method: clinical testing. Allele origin: germline.
Comment: This sequence change replaces arginine, which is basic and polar, with glutamine, which is neutral and polar, at codon 371 of the RNF43 protein (p.Arg371Gln). This variant is present in population databases (no rsID available, gnomAD 0.03%). This variant has not been reported in the literature in individuals affected with RNF43-related conditions. ClinVar contains an entry for this variant (Variation ID: 1365554). An algorithm developed to predict the effect of missense changes on protein structure and function outputs the following: PolyPhen-2: "Benign". The glutamine amino acid residue is found in multiple mammalian species, which suggests that this missense change does not adversely affect protein function. In summary, the available evidence is currently insufficient to determine the role of this variant in disease. Therefore, it has been classified as a Variant of Uncertain Significance.

Center for Genomic Medicine, Rigshospitalet, Copenhagen University Hospital
Classification: Uncertain significance. Last evaluated: 2025-03-04. Review status: criteria provided, single submitter. Criteria: ACMG Guidelines, 2015. Collection method: clinical testing. Allele origin: germline.

GeneDx
Classification: Uncertain significance. Last evaluated: 2022-12-30. Review status: criteria provided, single submitter. Criteria: GeneDx Variant Classification Process June 2021. Collection method: clinical testing. Allele origin: germline. Affected: yes.
Comment: In silico analysis supports that this missense variant does not alter protein structure/function; Has not been previously published as pathogenic or benign to our knowledge; Variants in candidate genes are classified as variants of uncertain significance in accordance with ACMG guidelines (Richards et al., 2015)

NM_017763.6(RNF43):c.1112G>A (p.Arg371Gln)

Gene: RNF43 (ring finger protein 43; minus strand). Cytogenetic location: 17q22.
Variant type: single nucleotide variant.
Coding change: c.1112G>A on transcript NM_017763.6 (MANE Select); coding-DNA position 1112, G replaced by A.
Protein change: p.Arg371Gln; replaces arginine 371 with glutamine.
Molecular consequence: missense variant.
Genome position (GRCh38, 1-based): chr17:58,358,664, C>T on the plus strand (G>A on the coding strand, the complement: RNF43 is on the minus strand). VCF-style: chr17-58358664-C-T. GRCh37 (hg19) VCF-style: chr17-56436025-C-T.
Other names: c.1112G>A, p.Arg371Gln (NM_001305544.3); c.731G>A, p.Arg244Gln (NM_001305545.2); c.1112G>A (NM_017763.4); short protein forms R244Q, R371Q.
Identifiers: ClinVar variation 1365554 (VCV001365554.14), dbSNP rs929720505, ClinGen allele CA292012905.